The following is an entry in ClinVar:

NM_004958.4(MTOR):c.2000C>A (p.Pro667His)

Gene: MTOR (mechanistic target of rapamycin kinase; minus strand). Cytogenetic location: 1p36.22.
Variant type: single nucleotide variant.
Coding change: c.2000C>A on transcript NM_004958.4 (MANE Select); coding-DNA position 2000, C replaced by A.
Protein change: p.Pro667His; replaces proline 667 with histidine.
Molecular consequence: missense variant.
Genome position (GRCh38, 1-based): chr1:11,238,404, G>T on the plus strand (C>A on the coding strand, the complement: MTOR is on the minus strand). VCF-style: chr1-11238404-G-T. GRCh37 (hg19) VCF-style: chr1-11298461-G-T.
Other names: short protein forms P667H.
Identifiers: ClinVar variation 965732 (VCV000965732.9), dbSNP rs1269992098, ClinGen allele CA338388603.

ClinVar aggregate classification (germline): Uncertain significance (1 of 4 stars; one submission).

Allele frequency attached by ClinVar (database versions not stated): TOPMed below 0.00001; gnomAD 0.00001.
gnomAD v4.1: 1 of 1,613,692 alleles (0.000062%); highest among the groups gnomAD compares: Middle Eastern, 0.017%; no homozygotes.

Submission:

Labcorp Genetics (formerly Invitae), Labcorp
Classification: Uncertain significance. Last evaluated: 2019-10-03. Review status: criteria provided, single submitter. Criteria: Invitae Variant Classification Sherloc (09022015). Collection method: clinical testing. Allele origin: germline.
Comment: In summary, the available evidence is currently insufficient to determine the role of this variant in disease. Therefore, it has been classified as a Variant of Uncertain Significance. Algorithms developed to predict the effect of missense changes on protein structure and function are either unavailable or do not agree on the potential impact of this missense change (SIFT: "Deleterious"; PolyPhen-2: "Probably Damaging"; Align-GVGD: "Class C0"). This variant has not been reported in the literature in individuals with MTOR-related conditions. This sequence change replaces proline with histidine at codon 667 of the MTOR protein (p.Pro667His). The proline residue is highly conserved and there is a moderate physicochemical difference between proline and histidine. This variant is not present in population databases (ExAC no frequency).